The following is an entry in ClinVar:

ClinVar aggregate classification (germline): Benign/Likely benign. Review status: criteria provided, multiple submitters, no conflicts (2 of 4 stars). 2 submissions from 2 submitters: Benign (1); Likely benign (1). Last evaluated 2025-11-03.

Conditions:
Prostate cancer, hereditary, 9 (HPC9). Identifiers: Orphanet 1331, MedGen C1970250, MONDO:0012597, OMIM 610997.

Submissions (2):

Labcorp Genetics (formerly Invitae), Labcorp
Classification: Likely benign. Last evaluated: 2025-11-03. Review status: criteria provided, single submitter. Criteria: Invitae Variant Classification Sherloc (09022015). Collection method: clinical testing. Allele origin: germline.

Myriad Genetics, Inc.
Classification: Benign for Prostate cancer, hereditary, 9. Last evaluated: 2024-10-30. Review status: criteria provided, single submitter. Criteria: Myriad Autosomal Dominant, Autosomal Recessive and X-Linked Classification Criteria (2023). Collection method: clinical testing. Allele origin: unknown.
Comment: This variant is considered benign. This variant is a silent/synonymous amino acid change and it is not expected to impact splicing.

NM_006361.6(HOXB13):c.711T>A (p.Ala237=)

Gene: HOXB13 (homeobox B13; minus strand). Cytogenetic location: 17q21.32.
Variant type: single nucleotide variant.
Coding change: c.711T>A on transcript NM_006361.6 (MANE Select); coding-DNA position 711, T replaced by A.
Protein change: p.Ala237=; no amino-acid change (alanine 237 retained).
Molecular consequence: synonymous variant.
Genome position (GRCh38, 1-based): chr17:48,726,934, A>T on the plus strand (T>A on the coding strand, the complement: HOXB13 is on the minus strand). VCF-style: chr17-48726934-A-T. GRCh37 (hg19) VCF-style: chr17-46804296-A-T.
Identifiers: ClinVar variation 1575307 (VCV001575307.9), dbSNP rs1555558465, ClinGen allele CA500500873.